The following is an entry in ClinVar:

NM_001256864.2(DNAJC6):c.2072A>G (p.Asp691Gly)

Gene: DNAJC6 (DnaJ heat shock protein family (Hsp40) member C6; plus strand). Cytogenetic location: 1p31.3.
Variant type: single nucleotide variant.
Coding change: c.2072A>G on transcript NM_001256864.2 (MANE Select); coding-DNA position 2072, A replaced by G.
Protein change: p.Asp691Gly; replaces aspartic acid 691 with glycine.
Molecular consequence: missense variant.
Genome position (GRCh38, 1-based): chr1:65,398,846, A>G. VCF-style: chr1-65398846-A-G. GRCh37 (hg19) VCF-style: chr1-65864529-A-G.
Other names: c.1862A>G, p.Asp621Gly (NM_001256865.2); c.1901A>G, p.Asp634Gly (NM_014787.4); c.1901A>G (NM_014787.2); short protein forms D634G, D621G, D691G.
Identifiers: ClinVar variation 1376516 (VCV001376516.9), dbSNP rs747034717, ClinGen allele CA894068.

ClinVar aggregate classification (germline): Uncertain significance. Review status: criteria provided, multiple submitters, no conflicts (2 of 4 stars). 3 submissions from 3 submitters: Uncertain significance (3). Last evaluated 2025-11-12.

Conditions:
Inborn genetic diseases. Identifiers: MedGen C0950123, MeSH D030342.
Juvenile onset Parkinson disease 19A. Also called: PARK19; DNAJC6 Parkinson Disease. Identifiers: Orphanet 391411, MedGen C3809811, MONDO:0014231, OMIM 615528.

Allele frequency attached by ClinVar (database versions not stated): gnomAD exomes 0.00001 and 0.00002; TOPMed 0.00001; ExAC 0.00003.
gnomAD v4.1: 20 of 1,614,076 alleles (0.0012%); highest among the groups gnomAD compares: Non-Finnish European, 0.0015%; no homozygotes.

Submissions (4):

Ambry Genetics
Classification: Uncertain significance for Inborn genetic diseases. Last evaluated: 2025-11-12. Review status: criteria provided, single submitter. Criteria: Ambry Variant Classification Scheme 2023. Collection method: clinical testing. Allele origin: germline.

Genome-Nilou Lab
Classification: Uncertain significance for Juvenile onset Parkinson disease 19A. Last evaluated: 2023-04-11. Review status: criteria provided, single submitter. Criteria: ACMG Guidelines, 2015. Collection method: clinical testing. Allele origin: germline. Affected: no.

Labcorp Genetics (formerly Invitae), Labcorp
Classification: Uncertain significance for Juvenile onset Parkinson disease 19A. Last evaluated: 2022-08-09. Review status: criteria provided, single submitter. Criteria: Invitae Variant Classification Sherloc (09022015). Collection method: clinical testing. Allele origin: germline.
Comment: In summary, the available evidence is currently insufficient to determine the role of this variant in disease. Therefore, it has been classified as a Variant of Uncertain Significance. Algorithms developed to predict the effect of sequence changes on RNA splicing suggest that this variant may create or strengthen a splice site. Algorithms developed to predict the effect of missense changes on protein structure and function (SIFT, PolyPhen-2, Align-GVGD) all suggest that this variant is likely to be tolerated. ClinVar contains an entry for this variant (Variation ID: 1376516). This variant has not been reported in the literature in individuals affected with DNAJC6-related conditions. This variant is present in population databases (rs747034717, gnomAD 0.006%). This sequence change replaces aspartic acid, which is acidic and polar, with glycine, which is neutral and non-polar, at codon 691 of the DNAJC6 protein (p.Asp691Gly).

Dr. Peter K. Rogan Lab, Western University
No classification provided (evidence only). Condition: Familial cancer of breast. Review status: no classification provided. Collection method: in vitro. Allele origin: not applicable. Functional consequence: skipped exon. Not counted in ClinVar's aggregate classification.